The following is an entry in ClinVar:

NM_000038.6(APC):c.1357C>G (p.Leu453Val)

Gene: APC (APC regulator of Wnt signaling pathway; plus strand). Cytogenetic location: 5q22.2.
Variant type: single nucleotide variant.
Coding change: c.1357C>G on transcript NM_000038.6 (MANE Select); coding-DNA position 1357, C replaced by G.
Protein change: p.Leu453Val; replaces leucine 453 with valine.
Molecular consequence: missense variant.
Genome position (GRCh38, 1-based): chr5:112,821,940, C>G. VCF-style: chr5-112821940-C-G. GRCh37 (hg19) VCF-style: chr5-112157637-C-G.
Other names: c.1303C>G, p.Leu435Val (NM_001127511.3); c.1357C>G, p.Leu453Val (NM_001127510.3, NM_001354895.2, NM_001354896.2); c.1387C>G, p.Leu463Val (NM_001354897.2); c.1282C>G, p.Leu428Val (NM_001354898.2); c.1273C>G, p.Leu425Val (NM_001354899.2); c.1180C>G, p.Leu394Val (NM_001354900.2, NM_001354901.2); c.1084C>G, p.Leu362Val (NM_001354902.2); c.1054C>G, p.Leu352Val (NM_001354903.2); and 3 more; short protein forms L435V, L453V, L293V, L425V, L170V, L362V, L463V, L327V.
Identifiers: ClinVar variation 579539 (VCV000579539.10), dbSNP rs1561546092, ClinGen allele CA16024274.

ClinVar aggregate classification (germline): Uncertain significance (1 of 4 stars; one submission).

Conditions:
Familial adenomatous polyposis 1 (FAP1). Also called: FAMILIAL ADENOMATOUS POLYPOSIS 1, ATTENUATED; POLYPOSIS, ADENOMATOUS INTESTINAL. Identifiers: MedGen C2713442, MONDO:0021056, OMIM 175100. Disease mechanism: loss of function.

Submission:

Labcorp Genetics (formerly Invitae), Labcorp
Classification: Uncertain significance for Familial adenomatous polyposis 1. Last evaluated: 2018-02-24. Review status: criteria provided, single submitter. Criteria: Invitae Variant Classification Sherloc (09022015). Collection method: clinical testing. Allele origin: germline.
Comment: This sequence change replaces leucine with valine at codon 453 of the APC protein (p.Leu453Val). The leucine residue is highly conserved and there is a small physicochemical difference between leucine and valine. This variant is not present in population databases (ExAC no frequency). This variant has not been reported in the literature in individuals with APC-related disease. Algorithms developed to predict the effect of missense changes on protein structure and function do not agree on the potential impact of this missense change (SIFT: "Deleterious"; PolyPhen-2: "Benign"; Align-GVGD: "Class C0"). In summary, the available evidence is currently insufficient to determine the role of this variant in disease. Therefore, it has been classified as a Variant of Uncertain Significance.